The following is an entry in ClinVar:

ClinVar aggregate classification (germline): Likely benign (1 of 4 stars; one submission).

Allele frequency attached by ClinVar (database versions not stated): 1000 Genomes Project 30x 0.00078; 1000 Genomes Project 0.00080; TOPMed 0.00203; gnomAD exomes 0.00212; gnomAD 0.00249 and 0.00257.
gnomAD v4.1: 546 of 233,232 alleles (0.23%); highest among the groups gnomAD compares: Non-Finnish European, 0.32%; 1 homozygote.

Submission:

CeGaT Center for Human Genetics Tuebingen
Classification: Likely benign. Last evaluated: 2023-05-01. Review status: criteria provided, single submitter. Criteria: CeGaT Center For Human Genetics Tuebingen Variant Classification Criteria Version 2. Collection method: clinical testing. Allele origin: germline. Affected: yes. Observed: 3 variant alleles.
Comment: SMAD3: BS1

NM_005902.4(SMAD3):c.*3126C>T

Gene: SMAD3 (SMAD family member 3; plus strand). Cytogenetic location: 15q22.33.
Variant type: single nucleotide variant.
Coding change: c.*3126C>T on transcript NM_005902.4 (MANE Select); 3126 bases downstream of the stop codon, C replaced by T.
Molecular consequence: 3 prime UTR variant.
Genome position (GRCh38, 1-based): chr15:67,193,662, C>T. VCF-style: chr15-67193662-C-T. GRCh37 (hg19) VCF-style: chr15-67486000-C-T.
Other names: c.*3126C>T (NM_001145102.2, NM_001145103.2, NM_001145104.2).
Identifiers: ClinVar variation 1701263 (VCV001701263.31), dbSNP rs62014610, ClinGen allele CA272402488.
Genomic context (GRCh38, chr15:67,193,662, plus strand): 5'-TCAGGAGCAGGGACTTTGACTCTTAGGAAGAGCACACATGAGGGCAAGGCTGCTGGCAGA[C>T]GTCTCCATTGTCCTTATGTTGTCTGTGTTGTATTTTTTTTTTTTTATTGACCATGGTGAT-3'